The following is an entry in ClinVar:

NM_001211.6(BUB1B):c.1280A>G (p.Gln427Arg)

Gene: BUB1B (BUB1 mitotic checkpoint serine/threonine kinase B; plus strand). Cytogenetic location: 15q15.1.
Variant type: single nucleotide variant.
Coding change: c.1280A>G on transcript NM_001211.6 (MANE Select); coding-DNA position 1280, A replaced by G.
Protein change: p.Gln427Arg; replaces glutamine 427 with arginine.
Molecular consequence: missense variant.
Genome position (GRCh38, 1-based): chr15:40,196,766, A>G. VCF-style: chr15-40196766-A-G. GRCh37 (hg19) VCF-style: chr15-40488967-A-G.
Other names: short protein forms Q427R.
Identifiers: ClinVar variation 1027273 (VCV001027273.10), dbSNP rs2037503673, ClinGen allele CA391687817.

ClinVar aggregate classification (germline): Uncertain significance (1 of 4 stars; one submission).

Conditions:
Mosaic variegated aneuploidy syndrome 1 (MVA1). Also called: Warburton-Anyane-Yeboa syndrome. Identifiers: Orphanet 1052, MedGen C1850343, MONDO:0009759, OMIM 257300.

Submission:

Labcorp Genetics (formerly Invitae), Labcorp
Classification: Uncertain significance for Mosaic variegated aneuploidy syndrome 1. Last evaluated: 2020-03-12. Review status: criteria provided, single submitter. Criteria: Invitae Variant Classification Sherloc (09022015). Collection method: clinical testing. Allele origin: germline.
Comment: In summary, the available evidence is currently insufficient to determine the role of this variant in disease. Therefore, it has been classified as a Variant of Uncertain Significance. Algorithms developed to predict the effect of missense changes on protein structure and function output the following: SIFT: "Tolerated"; PolyPhen-2: "Benign"; Align-GVGD: "Class C0". The arginine amino acid residue is found in multiple mammalian species, suggesting that this missense change does not adversely affect protein function. These predictions have not been confirmed by published functional studies and their clinical significance is uncertain. This variant has not been reported in the literature in individuals with BUB1B-related conditions. This variant is not present in population databases (ExAC no frequency). This sequence change replaces glutamine with arginine at codon 427 of the BUB1B protein (p.Gln427Arg). The glutamine residue is weakly conserved and there is a small physicochemical difference between glutamine and arginine.